The following is an entry in ClinVar:

NM_201253.3(CRB1):c.2327C>T (p.Thr776Ile)

Gene: CRB1 (crumbs cell polarity complex component 1; plus strand). Cytogenetic location: 1q31.3.
Variant type: single nucleotide variant.
Coding change: c.2327C>T on transcript NM_201253.3 (MANE Select); coding-DNA position 2327, C replaced by T.
Protein change: p.Thr776Ile; replaces threonine 776 with isoleucine.
Molecular consequence: missense variant. On other transcripts: non-coding transcript variant (2), intron variant (1).
Genome position (GRCh38, 1-based): chr1:197,427,652, C>T. VCF-style: chr1-197427652-C-T. GRCh37 (hg19) VCF-style: chr1-197396782-C-T.
Other names: c.1991C>T, p.Thr664Ile (NM_001193640.2); c.2120C>T, p.Thr707Ile (NM_001257965.2); c.2128+5696C>T (NM_001257966.2); short protein forms T664I, T776I, T707I.
Identifiers: ClinVar variation 1378977 (VCV001378977.6), dbSNP rs1293863321, ClinGen allele CA344036980.

ClinVar aggregate classification (germline): Uncertain significance (1 of 4 stars; one submission).

Conditions:
Retinitis pigmentosa 12 (RP12). Also called: RP WITH OR WITHOUT PRESERVED PARAARTERIOLE RETINAL PIGMENT EPITHELIUM; RETINITIS PIGMENTOSA WITH OR WITHOUT PARAARTERIOLAR PRESERVATION OF RETINAL PIGMENT EPITHELIUM; RP WITH OR WITHOUT PPRPE. Identifiers: Orphanet 791, MedGen C1838647, MONDO:0010818, OMIM 600105.
Leber congenital amaurosis 8 (LCA8). Identifiers: Orphanet 65, MedGen C3151202, MONDO:0013453, OMIM 613835.

gnomAD v4.1: 1 of 1,613,802 alleles (0.000062%); highest among the groups gnomAD compares: Non-Finnish European, 0.000085%; no homozygotes.

Submission:

Labcorp Genetics (formerly Invitae), Labcorp
Classification: Uncertain significance for Leber congenital amaurosis 8; Retinitis pigmentosa 12. Last evaluated: 2024-11-18. Review status: criteria provided, single submitter. Criteria: Invitae Variant Classification Sherloc (09022015). Collection method: clinical testing. Allele origin: germline.
Comment: This sequence change replaces threonine, which is neutral and polar, with isoleucine, which is neutral and non-polar, at codon 776 of the CRB1 protein (p.Thr776Ile). This variant is not present in population databases (gnomAD no frequency). This variant has not been reported in the literature in individuals affected with CRB1-related conditions. ClinVar contains an entry for this variant (Variation ID: 1378977). Invitae Evidence Modeling of protein sequence and biophysical properties (such as structural, functional, and spatial information, amino acid conservation, physicochemical variation, residue mobility, and thermodynamic stability) has been performed for this missense variant. However, the output from this modeling did not meet the statistical confidence thresholds required to predict the impact of this variant on CRB1 protein function. In summary, the available evidence is currently insufficient to determine the role of this variant in disease. Therefore, it has been classified as a Variant of Uncertain Significance.